The following is an entry in ClinVar:

NM_021614.4(KCNN2):c.144C>A (p.His48Gln)

Gene: KCNN2 (potassium calcium-activated channel subfamily N member 2; plus strand). Cytogenetic location: 5q22.3.
Variant type: single nucleotide variant.
Coding change: c.144C>A on transcript NM_021614.4 (MANE Select); coding-DNA position 144, C replaced by A.
Protein change: p.His48Gln; replaces histidine 48 with glutamine.
Molecular consequence: missense variant. On other transcripts: non-coding transcript variant (1).
Genome position (GRCh38, 1-based): chr5:114,362,283, C>A. VCF-style: chr5-114362283-C-A. GRCh37 (hg19) VCF-style: chr5-113697980-C-A.
Other names: c.342C>A, p.His114Gln (NM_001372233.1); short protein forms H114Q, H48Q.
Identifiers: ClinVar variation 4681878 (VCV004681878.5).

ClinVar aggregate classification (germline): Uncertain significance (1 of 4 stars; one submission).

Submission:

CeGaT Center for Human Genetics Tuebingen
Classification: Uncertain significance. Last evaluated: 2025-12-01. Review status: criteria provided, single submitter. Criteria: CeGaT Center For Human Genetics Tuebingen Variant Classification Criteria Version 2. Collection method: clinical testing. Allele origin: germline. Affected: yes. Observed: 1 variant allele.
Comment: KCNN2: PM2